The following is an entry in ClinVar:

ClinVar aggregate classification (germline): Likely pathogenic (1 of 4 stars; one submission).

Conditions:
Junctional epidermolysis bullosa gravis of Herlitz. Also called: Herlitz-type junctional epidermolysis bullosa; Epidermolysis Bullosa Letalis; EPIDERMOLYSIS BULLOSA, JUNCTIONAL 1B, SEVERE; EPIDERMOLYSIS BULLOSA JUNCTIONALIS, HERLITZ TYPE; EPIDERMOLYSIS BULLOSA, JUNCTIONAL, HERLITZ-PEARSON TYPE; JEB-HERLITZ TYPE. Identifiers: Orphanet 79404, MedGen C0079683, MONDO:0009182, OMIM 226700.

Submission:

Myriad Genetics, Inc.
Classification: Likely pathogenic for Junctional epidermolysis bullosa gravis of Herlitz. Last evaluated: 2020-02-23. Review status: criteria provided, single submitter. Criteria: Myriad Women's Health Autosomal Recessive and X-Linked Classification Criteria (2019). Collection method: clinical testing. Allele origin: unknown.
Comment: NM_000228.2(LAMB3):c.784A>T(K262*) is expected to be pathogenic in the context of Herlitz junctional epidermolysis bullosa, LAMB3-related. This variant is predicted to lead to an abnormal or absent protein product due to the creation of a premature termination codon in LAMB3, a gene where loss-of-function variants are known to be pathogenic. Please note: this variant was assessed in the context of healthy population screening.

NM_000228.3(LAMB3):c.784A>T (p.Lys262Ter)

Gene: LAMB3 (laminin subunit beta 3; minus strand). Cytogenetic location: 1q32.2.
Variant type: single nucleotide variant.
Coding change: c.784A>T on transcript NM_000228.3 (MANE Select); coding-DNA position 784, A replaced by T.
Protein change: p.Lys262Ter; replaces lysine 262 with a stop codon.
Molecular consequence: nonsense.
Genome position (GRCh38, 1-based): chr1:209,632,621, T>A on the plus strand (A>T on the coding strand, the complement: LAMB3 is on the minus strand). VCF-style: chr1-209632621-T-A. GRCh37 (hg19) VCF-style: chr1-209805966-T-A.
Other names: c.784A>T, p.Lys262Ter (NM_001017402.2, NM_001127641.1); short protein forms K262*.
Identifiers: ClinVar variation 984105 (VCV000984105.3), dbSNP rs1666731883, ClinGen allele CA344594194.
Genomic context (GRCh38, chr1:209,632,621, plus strand): 5'-CCTTCCCACCCTAGGCTGTTACCTGCACAGCGGTGGAGGGGCCTGCAGAGGCCCCAGGCT[T>A]GGGTGCGCAGCGATCAGCATGGCCGTGACAGAAGCAGCTCCCCTGCAGACGGAGCTGGGA-3'